The following is an entry in ClinVar:

NM_032119.4(ADGRV1):c.17184T>C (p.Thr5728=)

Gene: ADGRV1 (adhesion G protein-coupled receptor V1; plus strand). Cytogenetic location: 5q14.3.
Variant type: single nucleotide variant.
Coding change: c.17184T>C on transcript NM_032119.4 (MANE Select); coding-DNA position 17184, T replaced by C.
Protein change: p.Thr5728=; no amino-acid change (threonine 5728 retained).
Molecular consequence: synonymous variant. On other transcripts: non-coding transcript variant (1).
Genome position (GRCh38, 1-based): chr5:90,848,801, T>C. VCF-style: chr5-90848801-T-C. GRCh37 (hg19) VCF-style: chr5-90144618-T-C.
Identifiers: ClinVar variation 163626 (VCV000163626.4), dbSNP rs727503085, ClinGen allele CA176250.

ClinVar aggregate classification (germline): Likely benign (1 of 4 stars; one submission).

Allele frequency attached by ClinVar (database versions not stated): TOPMed below 0.00001; gnomAD 0.00001; gnomAD exomes 0.00001.
gnomAD v4.1: 9 of 1,584,524 alleles (0.00057%); highest among the groups gnomAD compares: Non-Finnish European, 0.00077%; no homozygotes.

Submission:

Laboratory for Molecular Medicine, Mass General Brigham Personalized Medicine
Classification: Likely benign. Last evaluated: 2013-12-19. Review status: criteria provided, single submitter. Criteria: LMM Criteria. Collection method: clinical testing. Allele origin: germline. Observed: 1 variant allele.
Comment: The Thr5728Thr in Exon 79 of GPR98: This variant is not expected to have clinica l significance because it does not alter an amino acid residue and is not locate d within the splice consensus sequence.